The following is an entry in ClinVar:

ClinVar aggregate classification (germline): Uncertain significance (1 of 4 stars; one submission).

Allele frequency attached by ClinVar (database versions not stated): gnomAD exomes below 0.00001.
gnomAD v4.1: 1 of 1,613,990 alleles (0.000062%); highest among the groups gnomAD compares: Non-Finnish European, 0.000085%; no homozygotes.

Submission:

Labcorp Genetics (formerly Invitae), Labcorp
Classification: Uncertain significance. Last evaluated: 2025-12-08. Review status: criteria provided, single submitter. Criteria: Invitae Variant Classification Sherloc (09022015). Collection method: clinical testing. Allele origin: germline.
Comment: This sequence change replaces tyrosine, which is neutral and polar, with cysteine, which is neutral and slightly polar, at codon 434 of the POLE protein (p.Tyr434Cys). This variant is not present in population databases (gnomAD no frequency). This variant has not been reported in the literature in individuals affected with POLE-related conditions. ClinVar contains an entry for this variant (Variation ID: 2804032). Invitae Evidence Modeling of protein sequence and biophysical properties (such as structural, functional, and spatial information, amino acid conservation, physicochemical variation, residue mobility, and thermodynamic stability) indicates that this missense variant is expected to disrupt POLE protein function with a positive predictive value of 80%. In summary, the available evidence is currently insufficient to determine the role of this variant in disease. Therefore, it has been classified as a Variant of Uncertain Significance.

NM_006231.4(POLE):c.1301A>G (p.Tyr434Cys)

Gene: POLE (DNA polymerase epsilon, catalytic subunit; minus strand). Cytogenetic location: 12q24.33.
Variant type: single nucleotide variant.
Coding change: c.1301A>G on transcript NM_006231.4 (MANE Select); coding-DNA position 1301, A replaced by G.
Protein change: p.Tyr434Cys; replaces tyrosine 434 with cysteine.
Molecular consequence: missense variant.
Genome position (GRCh38, 1-based): chr12:132,673,633, T>C on the plus strand (A>G on the coding strand, the complement: POLE is on the minus strand). VCF-style: chr12-132673633-T-C. GRCh37 (hg19) VCF-style: chr12-133250219-T-C.
Other names: short protein forms Y434C.
Identifiers: ClinVar variation 2804032 (VCV002804032.3), dbSNP rs1213837011, ClinGen allele CA387359400.